The following is an entry in ClinVar:

NM_001267550.2(TTN):c.54644G>A (p.Arg18215His)

Genes: TTN (titin; minus strand), TTN-AS1 (TTN antisense RNA 1; plus strand). Cytogenetic location: 2q31.2.
Variant type: single nucleotide variant.
Coding change: c.54644G>A on transcript NM_001267550.2 (MANE Select); coding-DNA position 54644, G replaced by A.
Protein change: p.Arg18215His; replaces arginine 18215 with histidine.
Molecular consequence: missense variant.
Genome position (GRCh38, 1-based): chr2:178,604,043, C>T on the plus strand (G>A on the coding strand, the complement: TTN is on the minus strand). VCF-style: chr2-178604043-C-T. GRCh37 (hg19) VCF-style: chr2-179468770-C-T.
Other names: c.49721G>A, p.Arg16574His (NM_001256850.1); c.27449G>A, p.Arg9150His (NM_003319.4); c.46940G>A, p.Arg15647His (NM_133378.4); c.27824G>A, p.Arg9275His (NM_133432.3); c.28025G>A, p.Arg9342His (NM_133437.4); short protein forms R15647H, R16574H, R18215H, R9150H, R9275H, R9342H.
Identifiers: ClinVar variation 3063783 (VCV003063783.3), dbSNP rs183010574, ClinGen allele CA1993599.

ClinVar aggregate classification (germline): Uncertain significance. Review status: criteria provided, multiple submitters, no conflicts (2 of 4 stars). 3 submissions from 3 submitters: Uncertain significance (3). Last evaluated 2026-01-23.

Conditions:
Hypertrophic cardiomyopathy 9. Also called: Familial hypertrophic cardiomyopathy 9. Identifiers: MedGen C1861065, MONDO:0013412, OMIM 613765.
Autosomal recessive limb-girdle muscular dystrophy type 2J (LGMDR10). Also called: Limb-girdle muscular dystrophy, type 2J; MUSCULAR DYSTROPHY, LIMB-GIRDLE, AUTOSOMAL RECESSIVE 10. Identifiers: Orphanet 140922, MedGen C1837342, MONDO:0012127, OMIM 608807.
Tibial muscular dystrophy (TMD). Also called: Udd Distal Myopathy – Tibial Muscular Dystrophy; UDD MYOPATHY; Tibial muscular dystrophy, tardive. Identifiers: Orphanet 609, MedGen C1838244, MONDO:0010870, OMIM 600334.
Early-onset myopathy with fatal cardiomyopathy (CMYO5). Also called: Salih Myopathy; CONGENITAL MYOPATHY 5 WITH CARDIOMYOPATHY. Identifiers: Orphanet 289377, MedGen C2673677, MONDO:0012714, OMIM 611705. Disease mechanism: loss of function.
Myopathy, myofibrillar, 9, with early respiratory failure (MFM9). Also called: MYOPATHY, PROXIMAL, WITH EARLY RESPIRATORY MUSCLE INVOLVEMENT; Hereditary myopathy with early respiratory failure; EDSTROM MYOPATHY; Myopathy, distal, with early respiratory failure, autosomal dominant. Identifiers: Orphanet 178464, Orphanet 34521, MedGen C1863599, MONDO:0011362, OMIM 603689.
Dilated cardiomyopathy 1G (CMD1G). Identifiers: Orphanet 154, MedGen C1858763, MONDO:0011400, OMIM 604145.

gnomAD v4.1: 20 of 1,612,814 alleles (0.0012%); highest among the groups gnomAD compares: South Asian, 0.0022%; no homozygotes.

Submissions (3):

GeneDx
Classification: Uncertain significance. Last evaluated: 2026-01-23. Review status: criteria provided, single submitter. Criteria: GeneDx Variant Classification Process June 2021. Collection method: clinical testing. Allele origin: germline.
Comment: Not observed at significant frequency in large population cohorts (gnomAD); Missense variant in a gene in which most reported pathogenic variants are truncating/loss of function; Has not been previously published as pathogenic or benign to our knowledge

Fulgent Genetics
Classification: Uncertain significance for Tibial muscular dystrophy; Myopathy, myofibrillar, 9, with early respiratory failure; Dilated cardiomyopathy 1G; Autosomal recessive limb-girdle muscular dystrophy type 2J; Early-onset myopathy with fatal cardiomyopathy; Hypertrophic cardiomyopathy 9. Last evaluated: 2024-06-11. Review status: criteria provided, single submitter. Criteria: ACMG Guidelines, 2015. Collection method: clinical testing. Allele origin: germline.

Women's Health and Genetics/Laboratory Corporation of America, LabCorp
Classification: Uncertain significance. Last evaluated: 2024-01-01. Review status: criteria provided, single submitter. Criteria: LabCorp Variant Classification Summary - May 2015. Collection method: clinical testing. Allele origin: germline.